The following is an entry in ClinVar:

NM_017780.4(CHD7):c.8800A>G (p.Ser2934Gly)

Gene: CHD7 (chromodomain helicase DNA binding protein 7; plus strand). Cytogenetic location: 8q12.2.
Variant type: single nucleotide variant.
Coding change: c.8800A>G on transcript NM_017780.4 (MANE Select); coding-DNA position 8800, A replaced by G.
Protein change: p.Ser2934Gly; replaces serine 2934 with glycine.
Molecular consequence: missense variant.
Genome position (GRCh38, 1-based): chr8:60,865,739, A>G. VCF-style: chr8-60865739-A-G. GRCh37 (hg19) VCF-style: chr8-61778298-A-G.
Other names: c.2653A>G, p.Ser885Gly (NM_001316690.1); short protein forms S2934G, S885G.
Identifiers: ClinVar variation 975200 (VCV000975200.10), dbSNP rs1024326558, ClinGen allele CA371312037.

ClinVar aggregate classification (germline): Uncertain significance. Review status: criteria provided, single submitter (1 of 4 stars). 2 submissions from 2 submitters: Uncertain significance (1). 1 of the submissions does not count toward it. Last evaluated 2024-05-08.

Conditions:
CHARGE syndrome (CHARGE). Also called: Hittner Hirsch Kreh syndrome; Coloboma, heart anomaly, choanal atresia, retardation, genital and ear anomalies; CHARGE association; Hall-Hittner syndrome; CHARGE ASSOCIATION--COLOBOMA, HEART ANOMALY, CHOANAL ATRESIA, RETARDATION, GENITAL AND EAR ANOMALIES. Identifiers: Orphanet 138, MedGen C0265354, MONDO:0008965.
Intellectual disability. Also called: Intellectual developmental disorder; Intellectual functioning disability; intellectual disabilities. Identifiers: MedGen C3714756, MeSH D008607, MONDO:0001071, HP:0001249.

gnomAD v4.1: 1 of 1,612,094 alleles (0.000062%); no homozygotes.

Submissions (2):

Labcorp Genetics (formerly Invitae), Labcorp
Classification: Uncertain significance for CHARGE syndrome. Last evaluated: 2024-05-08. Review status: criteria provided, single submitter. Criteria: Invitae Variant Classification Sherloc (09022015). Collection method: clinical testing. Allele origin: germline.
Comment: This sequence change replaces serine, which is neutral and polar, with glycine, which is neutral and non-polar, at codon 2934 of the CHD7 protein (p.Ser2934Gly). This variant is not present in population databases (gnomAD no frequency). This variant has not been reported in the literature in individuals affected with CHD7-related conditions. ClinVar contains an entry for this variant (Variation ID: 975200). Advanced modeling of protein sequence and biophysical properties (such as structural, functional, and spatial information, amino acid conservation, physicochemical variation, residue mobility, and thermodynamic stability) performed at Invitae indicates that this missense variant is not expected to disrupt CHD7 protein function with a negative predictive value of 95%. In summary, the available evidence is currently insufficient to determine the role of this variant in disease. Therefore, it has been classified as a Variant of Uncertain Significance.

Centre de Biologie Pathologie Génétique, Centre Hospitalier Universitaire de Lille
Classification: Likely benign for Intellectual disability. Last evaluated: 2019-01-01. Review status: no assertion criteria provided. Collection method: clinical testing. Allele origin: inherited. Affected: yes. Not counted in ClinVar's aggregate classification.